The following is an entry in ClinVar:

NM_015021.3(ZNF292):c.5950_5956del (p.Ile1984fs)

Gene: ZNF292 (zinc finger protein 292; plus strand). Cytogenetic location: 6q14.3.
Variant type: Deletion.
Coding change: c.5950_5956del on transcript NM_015021.3 (MANE Select); coding-DNA positions 5950 to 5956, 7 bases deleted (ATTAAAA; older notation c.5950_5956delATTAAAA).
Protein change: p.Ile1984fs; shifts the reading frame from isoleucine 1984.
Molecular consequence: frameshift variant.
Genome position (GRCh38, 1-based): chr6:87,259,579-87,259,585, ATTAAAA deleted; deleting any 7 consecutive bases within chr6:87,259,573-87,259,585 gives the same sequence; the c. name uses the placement nearest the transcript's 3' end. VCF-style (leftmost placement, unchanged base first): chr6-87259572-GTTAAAAA-G. GRCh37 (hg19) VCF-style: chr6-87969290-GTTAAAAA-G.
Other names: c.5530_5536del, p.Ile1844fs (NM_001351444.2); short protein forms I1844fs, I1984fs.
Identifiers: ClinVar variation 3194984 (VCV003194984.3), dbSNP rs2482349746, ClinGen allele CA2825001499.

ClinVar aggregate classification (germline): Pathogenic. Review status: criteria provided, multiple submitters, no conflicts (2 of 4 stars). 2 submissions from 2 submitters: Pathogenic (2). Last evaluated 2025-06-17.

Conditions:
Inborn genetic diseases. Identifiers: MedGen C0950123, MeSH D030342.
Intellectual developmental disorder, autosomal dominant 64. Also called: MENTAL RETARDATION, AUTOSOMAL DOMINANT 64. Identifiers: MedGen C5543067, MONDO:0030934, OMIM 619188.

Submissions (2):

Victorian Clinical Genetics Services, Murdoch Childrens Research Institute
Classification: Pathogenic for Intellectual developmental disorder, autosomal dominant 64. Last evaluated: 2025-06-17. Review status: criteria provided, single submitter. Criteria: ACMG Guidelines, 2015. Collection method: clinical testing. Allele origin: germline. Affected: yes.
Comment: This variant is classified as Pathogenic. Evidence in support of pathogenic classification: Variant is predicted to result in a truncated protein (premature termination codon is NOT located at least 54 nucleotides upstream of the final exon-exon junction) with less than 1/3 of the protein sequence affected; Variant is absent from gnomAD (v2, v3 and v4); This variant has limited previous evidence of pathogenicity in an unrelated individual(s). This variant has been classified as pathogenic by a clinical laboratory in ClinVar; Other protein truncating variant(s) comparable to the one identified in this case have very strong previous evidence for pathogenicity (DECIPHER); Additional information: This variant is heterozygous; This gene is associated with autosomal dominant disease; No published segregation evidence has been identified for this variant; No published functional evidence has been identified for this variant; The mechanism of disease for this gene is not clearly established due to limited evidence (PMID: 31723249).

Ambry Genetics
Classification: Pathogenic for Inborn genetic diseases. Last evaluated: 2024-03-13. Review status: criteria provided, single submitter. Criteria: Ambry Variant Classification Scheme 2023. Collection method: clinical testing. Allele origin: germline.
Comment: The c.5950_5956delATTAAAA (p.I1984Gfs*20) alteration, located in exon 8 (coding exon 8) of the ZNF292 gene, consists of a deletion of 7 nucleotides from position 5950 to 5956, causing a translational frameshift with a predicted alternate stop codon after 20 amino acids. This alteration occurs at the 3' terminus of the ZNF292 gene, is not expected to trigger nonsense-mediated mRNA decay, and only impacts the last 27% of the protein. However, premature stop codons are typically deleterious in nature, the impacted region is critical for protein function, and a significant portion of the protein is affected (Ambry internal data). This variant was not reported in population-based cohorts in the Genome Aggregation Database (gnomAD). Based on the available evidence, this alteration is classified as pathogenic.

Literature cited by the submitters: PubMed 31723249 (cited by Victorian Clinical Genetics Services, Murdoch Childrens Research Institute).